The following is an entry in ClinVar:

ClinVar aggregate classification (germline): Benign (1 of 4 stars; one submission).

Allele frequency attached by ClinVar (database versions not stated): 1000 Genomes Project 0.00459; 1000 Genomes Project 30x 0.00562.
gnomAD v4.1: 833 of 1,607,524 alleles (0.052%); highest among the groups gnomAD compares: African/African-American, 1%; 22 homozygotes.

Submission:

CeGaT Center for Human Genetics Tuebingen
Classification: Benign. Last evaluated: 2022-06-01. Review status: criteria provided, single submitter. Criteria: CeGaT Center For Human Genetics Tuebingen Variant Classification Criteria Version 2. Collection method: clinical testing. Allele origin: germline. Affected: yes. Observed: 1 variant allele.
Comment: AHNAK2: BS1, BS2

NM_138420.4(AHNAK2):c.8007G>C (p.Ala2669=)

Gene: AHNAK2 (AHNAK nucleoprotein 2; minus strand). Cytogenetic location: 14q32.33.
Variant type: single nucleotide variant.
Coding change: c.8007G>C on transcript NM_138420.4 (MANE Select); coding-DNA position 8007, G replaced by C.
Protein change: p.Ala2669=; no amino-acid change (alanine 2669 retained).
Molecular consequence: synonymous variant.
Genome position (GRCh38, 1-based): chr14:104,947,444, C>G on the plus strand (G>C on the coding strand, the complement: AHNAK2 is on the minus strand). VCF-style: chr14-104947444-C-G. GRCh37 (hg19) VCF-style: chr14-105413781-C-G.
Other names: c.7707G>C, p.Ala2569= (NM_001350929.2).
Identifiers: ClinVar variation 2644712 (VCV002644712.24), dbSNP rs148748842, ClinGen allele CA7380289.